The following is an entry in ClinVar:

NM_001281971.2(KIR2DS4):c.527C>T (p.Pro176Leu)

Gene: KIR2DS4 (killer cell immunoglobulin like receptor, two Ig domains and short cytoplasmic tail 4 (gene/pseudogene)). Cytogenetic location: 19q13.42.
Variant type: single nucleotide variant.
Coding change: c.527C>T on transcript NM_001281971.2; coding-DNA position 527, C replaced by T.
Protein change: p.Pro176Leu; replaces proline 176 with leucine.
Molecular consequence: missense variant.
Genome position (GRCh38, 1-based): chr19:54,839,584, C>T. VCF-style: chr19-54839584-C-T. GRCh37 (hg19) VCF-style: chr19-55351039-C-T.
Other names: c.527C>T, p.Pro176Leu (NM_001281972.2); short protein forms P176L.
Identifiers: ClinVar variation 2650490 (VCV002650490.23), dbSNP rs148015035, ClinGen allele CA309931112.

ClinVar aggregate classification (germline): Likely benign (1 of 4 stars; one submission).

Allele frequency attached by ClinVar (database versions not stated): ExAC 0.00011; ESP Exome Variant Server 0.00008; 1000 Genomes Project 0.00020; 1000 Genomes Project 30x 0.00031; gnomAD 0.00012.

Submission:

CeGaT Center for Human Genetics Tuebingen
Classification: Likely benign. Last evaluated: 2025-04-01. Review status: criteria provided, single submitter. Criteria: CeGaT Center For Human Genetics Tuebingen Variant Classification Criteria Version 2. Collection method: clinical testing. Allele origin: germline. Affected: yes. Observed: 2 variant alleles.
Comment: KIR2DS4: BS2